The following is an entry in ClinVar:

ClinVar aggregate classification (germline): Pathogenic (1 of 4 stars; one submission).

Conditions:
Marfan syndrome (MFS). Also called: MARFAN SYNDROME, TYPE I; Marfan syndrome type 1; Marfan's syndrome; Marfan syndrome, classic; FBN1-Related Marfan Syndrome. Identifiers: Orphanet 284963, Orphanet 558, MedGen C0024796, MONDO:0007947, OMIM 154700.
Familial thoracic aortic aneurysm and aortic dissection (TAAD). Also called: Thoracic aortic aneurysms and dissections. Identifiers: Orphanet 91387, MedGen C4707243, MONDO:0019625.

Submission:

Labcorp Genetics (formerly Invitae), Labcorp
Classification: Pathogenic for Marfan syndrome; Familial thoracic aortic aneurysm and aortic dissection. Last evaluated: 2023-10-22. Review status: criteria provided, single submitter. Criteria: Invitae Variant Classification Sherloc (09022015). Collection method: clinical testing. Allele origin: germline.
Comment: This sequence change creates a premature translational stop signal (p.Glu493Aspfs*86) in the FBN1 gene. It is expected to result in an absent or disrupted protein product. Loss-of-function variants in FBN1 are known to be pathogenic (PMID: 17657824, 19293843). This variant is not present in population databases (gnomAD no frequency). This variant has not been reported in the literature in individuals affected with FBN1-related conditions. For these reasons, this variant has been classified as Pathogenic.

Literature cited by the submitters: PubMed 17657824; PubMed 19293843.

NM_000138.5(FBN1):c.1479del (p.Glu493fs)

Gene: FBN1 (fibrillin 1; minus strand). Cytogenetic location: 15q21.1.
Variant type: Deletion.
Coding change: c.1479del on transcript NM_000138.5 (MANE Select); coding-DNA position 1479, one base deleted (A; older notation c.1479delA).
Protein change: p.Glu493fs; shifts the reading frame from glutamic acid 493.
Molecular consequence: frameshift variant.
Genome position (GRCh38, 1-based): chr15:48,513,658, T deleted on the plus strand (A on the coding strand, the reverse complement: FBN1 is on the minus strand); the first of 2 consecutive T bases (chr15:48,513,658-48,513,659); deleting either gives the same sequence. VCF-style (leftmost placement, unchanged base first): chr15-48513657-AT-A. GRCh37 (hg19) VCF-style: chr15-48805854-AT-A.
Other names: c.1479del, p.Glu493fs (NM_001406716.1); short protein forms E493fs.
Identifiers: ClinVar variation 2949461 (VCV002949461.3), dbSNP rs2505614119, ClinGen allele CA2740096677.
Genomic context (GRCh38, chr15:48,513,657, plus strand): 5'-GACAGGTGTACGAACCCTGGTTGTTAATACACTCACCACCAGCACAGGGGTTTTTCTCAC[AT>A]TCATCAACATCTGCAAAGCACAATGTATTTTAGTGCAAAATTACATAGCAATACCTCATA-3'